The following is an entry in ClinVar:

ClinVar aggregate classification (germline): Benign. Review status: criteria provided, multiple submitters, no conflicts (2 of 4 stars). 3 submissions from 3 submitters: Benign (2). 1 of the submissions does not count toward it. Last evaluated 2026-01-12.

Conditions:
ADGRA3-related disorder. Also called: ADGRA3-related condition.

Allele frequency attached by ClinVar (database versions not stated): 1000 Genomes Project 0.00300; 1000 Genomes Project 30x 0.00344; ESP Exome Variant Server 0.00292.
gnomAD v4.1: 600 of 1,614,130 alleles (0.037%); highest among the groups gnomAD compares: African/African-American, 0.62%; 1 homozygote.

Submissions (3):

Labcorp Genetics (formerly Invitae), Labcorp
Classification: Benign. Last evaluated: 2026-01-12. Review status: criteria provided, single submitter. Criteria: Invitae Variant Classification Sherloc (09022015). Collection method: clinical testing. Allele origin: germline.

Breakthrough Genomics
Classification: Benign. Review status: criteria provided, single submitter. Criteria: ACMG Guidelines, 2015. Collection method: not provided. Allele origin: germline. Inheritance: Unknown mechanism. Affected: yes.

PreventionGenetics, part of Exact Sciences
Classification: Benign for ADGRA3-related condition. Last evaluated: 2019-08-28. Review status: no assertion criteria provided. Collection method: clinical testing. Allele origin: germline. Not counted in ClinVar's aggregate classification.
Comment: This variant is classified as benign based on ACMG/AMP sequence variant interpretation guidelines (Richards et al. 2015 PMID: 25741868, with internal and published modifications).

NM_145290.4(ADGRA3):c.3587C>G (p.Thr1196Arg)

Gene: ADGRA3 (adhesion G protein-coupled receptor A3; minus strand). Cytogenetic location: 4p15.2.
Variant type: single nucleotide variant.
Coding change: c.3587C>G on transcript NM_145290.4 (MANE Select); coding-DNA position 3587, C replaced by G.
Protein change: p.Thr1196Arg; replaces threonine 1196 with arginine.
Molecular consequence: missense variant.
Genome position (GRCh38, 1-based): chr4:22,388,084, G>C on the plus strand (C>G on the coding strand, the complement: ADGRA3 is on the minus strand). VCF-style: chr4-22388084-G-C. GRCh37 (hg19) VCF-style: chr4-22389707-G-C.
Other names: c.3587C>G (NM_145290.3); short protein forms T1196R.
Identifiers: ClinVar variation 1169419 (VCV001169419.9), dbSNP rs61729361, ClinGen allele CA2873340.